The following is an entry in ClinVar:

ClinVar aggregate classification (germline): Uncertain significance (1 of 4 stars; one submission).

Submission:

Labcorp Genetics (formerly Invitae), Labcorp
Classification: Uncertain significance. Last evaluated: 2024-09-16. Review status: criteria provided, single submitter. Criteria: Invitae Variant Classification Sherloc (09022015). Collection method: clinical testing. Allele origin: germline.
Comment: This sequence change replaces isoleucine, which is neutral and non-polar, with valine, which is neutral and non-polar, at codon 622 of the CTNNA1 protein (p.Ile622Val). This variant is not present in population databases (gnomAD no frequency). This variant has not been reported in the literature in individuals affected with CTNNA1-related conditions. Invitae Evidence Modeling of protein sequence and biophysical properties (such as structural, functional, and spatial information, amino acid conservation, physicochemical variation, residue mobility, and thermodynamic stability) indicates that this missense variant is not expected to disrupt CTNNA1 protein function with a negative predictive value of 80%. In summary, the available evidence is currently insufficient to determine the role of this variant in disease. Therefore, it has been classified as a Variant of Uncertain Significance.

NM_001903.5(CTNNA1):c.1864A>G (p.Ile622Val)

Gene: CTNNA1 (catenin alpha 1; plus strand). Cytogenetic location: 5q31.2.
Variant type: single nucleotide variant.
Coding change: c.1864A>G on transcript NM_001903.5 (MANE Select); coding-DNA position 1864, A replaced by G.
Protein change: p.Ile622Val; replaces isoleucine 622 with valine.
Molecular consequence: missense variant.
Genome position (GRCh38, 1-based): chr5:138,925,372, A>G. VCF-style: chr5-138925372-A-G. GRCh37 (hg19) VCF-style: chr5-138261061-A-G.
Other names: c.1864A>G, p.Ile622Val (NM_001290307.3, NM_001323982.2, NM_001323983.1 and 2 more transcripts); c.1555A>G, p.Ile519Val (NM_001290309.3); c.1495A>G, p.Ile499Val (NM_001290310.3); c.754A>G, p.Ile252Val (NM_001290312.1, NM_001323987.1, NM_001323988.1 and 17 more transcripts); c.1771A>G, p.Ile591Val (NM_001323986.2); c.415A>G, p.Ile139Val (NM_001324006.1, NM_001324007.1, NM_001324008.1 and 2 more transcripts); c.661A>G, p.Ile221Val (NM_001324011.1); c.511A>G, p.Ile171Val (NM_001324012.1, NM_001324013.1); short protein forms I139V, I171V, I221V, I252V, I591V, I499V, I519V, I622V.
Identifiers: ClinVar variation 3705016 (VCV003705016.2).
Genomic context (GRCh38, chr5:138,925,372, plus strand): 5'-CCTGCCCAGCCCATGGATGAGAATGAGTTTATCGATGCTTCCCGCCTGGTATATGATGGC[A>G]TCCGGGACATCAGGAAAGCAGTGCTGATGATAAGGGTGAGTAACTGCATTTCAGACGTCT-3'
Protein context (NP_001894.2, residues 612-632): IDASRLVYDG[Ile622Val]RDIRKAVLMI